The following is an entry in ClinVar:

ClinVar aggregate classification (germline): Uncertain significance (1 of 4 stars; one submission).

Conditions:
Cardiovascular phenotype. Identifiers: MedGen CN230736.

Submission:

Ambry Genetics
Classification: Uncertain significance for Cardiovascular phenotype. Last evaluated: 2025-11-17. Review status: criteria provided, single submitter. Criteria: Ambry Variant Classification Scheme 2023. Collection method: clinical testing. Allele origin: germline.
Comment: The p.P901R variant (also known as c.2702C>G), located in coding exon 16 of the CBL gene, results from a C to G substitution at nucleotide position 2702. The proline at codon 901 is replaced by arginine, an amino acid with dissimilar properties. This amino acid position is conserved. In addition, the in silico prediction for this alteration is inconclusive. Based on the available evidence, the clinical significance of this variant remains unclear.

NM_005188.4(CBL):c.2702C>G (p.Pro901Arg)

Gene: CBL (Cbl proto-oncogene; plus strand). Cytogenetic location: 11q23.3.
Variant type: single nucleotide variant.
Coding change: c.2702C>G on transcript NM_005188.4 (MANE Select); coding-DNA position 2702, C replaced by G.
Protein change: p.Pro901Arg; replaces proline 901 with arginine.
Molecular consequence: missense variant.
Genome position (GRCh38, 1-based): chr11:119,299,762, C>G. VCF-style: chr11-119299762-C-G. GRCh37 (hg19) VCF-style: chr11-119170472-C-G.
Other names: short protein forms P901R.
Identifiers: ClinVar variation 4613879 (VCV004613879.1).